The following is an entry in ClinVar:

ClinVar aggregate classification (germline): Uncertain significance (1 of 4 stars; one submission).

Conditions:
Neurodevelopmental disorder with regression, abnormal movements, loss of speech, and seizures. Identifiers: Orphanet 597623, MedGen C4748127, MONDO:0060759, OMIM 618088.

Submission:

Pittsburgh Clinical Genomics Laboratory, University of Pittsburgh Medical Center
Classification: Uncertain significance for Neurodevelopmental disorder with regression, abnormal movements, loss of speech, and seizures. Last evaluated: 2022-03-22. Review status: criteria provided, single submitter. Criteria: ACMG Guidelines, 2015. Collection method: clinical testing. Allele origin: germline. Inheritance: Autosomal dominant inheritance. Affected: yes.
Comment: This sequence variant is a single nucleotide substitution (A>G) at position 1724 of the IRF2BPL gene that results in a glutamine to glycine amino acid change at position 575 of the IRF2BPL protein. This is a de novo variant that has not been reported to databases of clinically annotated variants or observed in the literature in individuals with IRF2BPL-related disease, to our knowledge. This variant is absent from control population datasets (gnomAD database 0 of ~170,000 alleles). Bioinformatic tools provide conflicting predictions as to whether this variant would be tolerated or damaging, and the Glu575 residue is well conserved across the mammalian species examined. Functiol studies examining the effect of this variant on protein structure or activity have not been performed, to our knowledge. At this time, there is insufficient evidence to determine if this variant is pathogenic or benign. Therefore, we consider this a variant of uncertain significance. ACMG Criteria: PM2, PS2

NM_024496.4(IRF2BPL):c.1724A>G (p.Glu575Gly)

Gene: IRF2BPL (interferon regulatory factor 2 binding protein like; minus strand). Cytogenetic location: 14q24.3.
Variant type: single nucleotide variant.
Coding change: c.1724A>G on transcript NM_024496.4 (MANE Select); coding-DNA position 1724, A replaced by G.
Protein change: p.Glu575Gly; replaces glutamic acid 575 with glycine.
Molecular consequence: missense variant.
Genome position (GRCh38, 1-based): chr14:77,026,069, T>C on the plus strand (A>G on the coding strand, the complement: IRF2BPL is on the minus strand). VCF-style: chr14-77026069-T-C. GRCh37 (hg19) VCF-style: chr14-77492412-T-C.
Other names: short protein forms E575G.
Identifiers: ClinVar variation 3376234 (VCV003376234.1).